The following is an entry in ClinVar:

ClinVar aggregate classification (germline): Uncertain significance. Review status: criteria provided, multiple submitters, no conflicts (2 of 4 stars). 2 submissions from 2 submitters: Uncertain significance (2). Last evaluated 2023-02-02.

gnomAD v4.1: 43 of 1,613,954 alleles (0.0027%); highest among the groups gnomAD compares: Admixed American, 0.0033%; no homozygotes.

Submissions (2):

Blueprint Genetics
Classification: Uncertain significance. Last evaluated: 2023-02-02. Review status: criteria provided, single submitter. Criteria: ACMG Guidelines, 2015. Collection method: clinical testing. Allele origin: germline.

Labcorp Genetics (formerly Invitae), Labcorp
Classification: Uncertain significance. Last evaluated: 2022-07-26. Review status: criteria provided, single submitter. Criteria: Invitae Variant Classification Sherloc (09022015). Collection method: clinical testing. Allele origin: germline.
Comment: This sequence change falls in intron 16 of the DHX38 gene. It does not directly change the encoded amino acid sequence of the DHX38 protein. It affects a nucleotide within the consensus splice site. This variant is present in population databases (rs780211574, gnomAD 0.009%). This variant has not been reported in the literature in individuals affected with DHX38-related conditions. ClinVar contains an entry for this variant (Variation ID: 1059757). Variants that disrupt the consensus splice site are a relatively common cause of aberrant splicing (PMID: 17576681, 9536098). Algorithms developed to predict the effect of sequence changes on RNA splicing suggest that this variant is not likely to affect RNA splicing. In summary, the available evidence is currently insufficient to determine the role of this variant in disease. Therefore, it has been classified as a Variant of Uncertain Significance.

Literature cited by the submitters: PubMed 17576681 (cited by Labcorp Genetics (formerly Invitae), Labcorp); PubMed 9536098 (cited by Labcorp Genetics (formerly Invitae), Labcorp).

NM_014003.4(DHX38):c.2262+4C>T

Gene: DHX38 (DEAH-box helicase 38; plus strand). Cytogenetic location: 16q22.2.
Variant type: single nucleotide variant.
Coding change: c.2262+4C>T on transcript NM_014003.4 (MANE Select); 4 bases into the intron after coding-DNA position 2262, C replaced by T.
Molecular consequence: intron variant.
Genome position (GRCh38, 1-based): chr16:72,105,141, C>T. VCF-style: chr16-72105141-C-T. GRCh37 (hg19) VCF-style: chr16-72139040-C-T.
Identifiers: ClinVar variation 1059757 (VCV001059757.7), dbSNP rs780211574, ClinGen allele CA8160580.